The following is an entry in ClinVar:

ClinVar aggregate classification (germline): Conflicting classifications of pathogenicity. Review status: criteria provided, conflicting classifications (1 of 4 stars). 4 submissions from 4 submitters: Uncertain significance (3); Likely benign (1). Last evaluated 2025-01-17.

Conditions:
Hereditary cancer-predisposing syndrome. Also called: Neoplastic Syndromes, Hereditary; Tumor predisposition; Hereditary Cancer Syndrome; Hereditary neoplastic syndrome. Identifiers: Orphanet 140162, MedGen C0027672, MeSH D009386, MONDO:0015356.
Hereditary breast ovarian cancer syndrome. Also called: Hereditary breast and/or ovarian cancer syndrome; Hereditary breast and ovarian cancer; Hereditary breast and ovarian cancer syndrome (HBOC); Hereditary breast and ovarian cancer syndrome; Breast and ovarian cancer; BRCA1- and BRCA2-Associated Hereditary Breast and Ovarian Cancer. Identifiers: Orphanet 145, MedGen C0677776, MeSH D061325, MONDO:0003582. Disease mechanism: loss of function.

Submissions (4):

Labcorp Genetics (formerly Invitae), Labcorp
Classification: Uncertain significance for Hereditary breast ovarian cancer syndrome. Last evaluated: 2025-01-17. Review status: criteria provided, single submitter. Criteria: Invitae Variant Classification Sherloc (09022015). Collection method: clinical testing. Allele origin: germline.
Comment: This sequence change replaces aspartic acid, which is acidic and polar, with glutamic acid, which is acidic and polar, at codon 522 of the BRCA1 protein (p.Asp522Glu). This variant is not present in population databases (gnomAD no frequency). This variant has not been reported in the literature in individuals affected with BRCA1-related conditions. ClinVar contains an entry for this variant (Variation ID: 1803468). Invitae Evidence Modeling of protein sequence and biophysical properties (such as structural, functional, and spatial information, amino acid conservation, physicochemical variation, residue mobility, and thermodynamic stability) indicates that this missense variant is expected to disrupt BRCA1 protein function with a positive predictive value of 80%. In summary, the available evidence is currently insufficient to determine the role of this variant in disease. Therefore, it has been classified as a Variant of Uncertain Significance.

Ambry Genetics
Classification: Uncertain significance for Hereditary cancer-predisposing syndrome. Last evaluated: 2024-03-14. Review status: criteria provided, single submitter. Criteria: Ambry Variant Classification Scheme 2023. Collection method: clinical testing. Allele origin: germline.
Comment: The p.D522E variant (also known as c.1566T>G), located in coding exon 9 of the BRCA1 gene, results from a T to G substitution at nucleotide position 1566. The aspartic acid at codon 522 is replaced by glutamic acid, an amino acid with highly similar properties. This amino acid position is highly conserved in available vertebrate species. In addition, this alteration is predicted to be deleterious by in silico analysis. Based on the available evidence, the clinical significance of this alteration remains unclear.

University of Washington Department of Laboratory Medicine, University of Washington
Classification: Likely benign for Hereditary cancer-predisposing syndrome. Last evaluated: 2023-03-23. Review status: criteria provided, single submitter. Criteria: Dines et al. (Genet Med. 2020). Collection method: curation. Allele origin: germline.
Comment: Missense variant in a coldspot region where missense variants are very unlikely to be pathogenic (PMID:31911673).

BRCA1 coldspot (exon 11 using historical exon numbering). Reclassification based on statistical prior probability

GeneDx
Classification: Uncertain significance. Last evaluated: 2022-06-06. Review status: criteria provided, single submitter. Criteria: GeneDx Variant Classification Process June 2021. Collection method: clinical testing. Allele origin: germline. Affected: yes.
Comment: Observed in an individual with breast and ovarian cancer (Yang 2021); Not observed at significant frequency in large population cohorts (gnomAD); In silico analysis supports that this missense variant has a deleterious effect on protein structure/function; Also known as 1685T>G; This variant is associated with the following publications: (PMID: 15343273, 33120437)

NM_007294.4(BRCA1):c.1566T>G (p.Asp522Glu)

Gene: BRCA1 (BRCA1 DNA repair associated; minus strand). Cytogenetic location: 17q21.31.
Variant type: single nucleotide variant.
Coding change: c.1566T>G on transcript NM_007294.4 (MANE Select); coding-DNA position 1566, T replaced by G.
Protein change: p.Asp522Glu; replaces aspartic acid 522 with glutamic acid.
Molecular consequence: missense variant. On other transcripts: intron variant (137).
Genome position (GRCh38, 1-based): chr17:43,093,965, A>C on the plus strand (T>G on the coding strand, the complement: BRCA1 is on the minus strand). VCF-style: chr17-43093965-A-C. GRCh37 (hg19) VCF-style: chr17-41245982-A-C.
Other names: c.784+779T>G (NM_001408402.1, NM_001408473.1, NM_001408399.1 and 13 more transcripts); c.664+779T>G (NM_001408443.1, NM_001408439.1, NM_001408425.1 and 12 more transcripts); c.670+1881T>G (NM_001408419.1, NM_001408422.1, NM_001408418.1 and 2 more transcripts); c.787+779T>G (NM_001408403.1, NM_001407983.1, NM_001407975.1 and 19 more transcripts); c.790+776T>G (NM_001408406.1); c.646+779T>G (NM_001408456.1, NM_001408410.1, NM_001408458.1 and 11 more transcripts); c.643+779T>G (NM_001408465.1, NM_001408463.1, NM_001408462.1 and 3 more transcripts); c.577+779T>G (NM_001408482.1, NM_001408484.1, NM_001408478.1 and 9 more transcripts); and 40 more; short protein forms D226E, D354E, D394E, D395E, D410E, D411E, D433E, D434E.
Identifiers: ClinVar variation 1803468 (VCV001803468.6), dbSNP rs2154435908, ClinGen allele CA10598911.